The following is an entry in ClinVar:

ClinVar aggregate classification (germline): Uncertain significance (1 of 4 stars; one submission).

Submission:

CeGaT Center for Human Genetics Tuebingen
Classification: Uncertain significance. Last evaluated: 2024-09-01. Review status: criteria provided, single submitter. Criteria: CeGaT Center For Human Genetics Tuebingen Variant Classification Criteria Version 2. Collection method: clinical testing. Allele origin: germline. Affected: yes. Observed: 1 variant allele.
Comment: NPAP1: PM2

NM_018958.3(NPAP1):c.3456T>A (p.Cys1152Ter)

Gene: NPAP1 (nuclear pore associated protein 1; plus strand). Cytogenetic location: 15q11.2.
Variant type: single nucleotide variant.
Coding change: c.3456T>A on transcript NM_018958.3 (MANE Select); coding-DNA position 3456, T replaced by A.
Protein change: p.Cys1152Ter; replaces cysteine 1152 with a stop codon.
Molecular consequence: nonsense.
Genome position (GRCh38, 1-based): chr15:24,679,323, T>A. VCF-style: chr15-24679323-T-A. GRCh37 (hg19) VCF-style: chr15-24924470-T-A.
Other names: short protein forms C1152*.
Identifiers: ClinVar variation 3388356 (VCV003388356.14).